The following is an entry in ClinVar:

NM_032578.4(MYPN):c.637A>G (p.Ile213Val)

Gene: MYPN (myopalladin; plus strand). Cytogenetic location: 10q21.3.
Variant type: single nucleotide variant.
Coding change: c.637A>G on transcript NM_032578.4 (MANE Select); coding-DNA position 637, A replaced by G.
Protein change: p.Ile213Val; replaces isoleucine 213 with valine.
Molecular consequence: missense variant. On other transcripts: 5 prime UTR variant (1), non-coding transcript variant (1).
Genome position (GRCh38, 1-based): chr10:68,122,075, A>G. VCF-style: chr10-68122075-A-G. GRCh37 (hg19) VCF-style: chr10-69881832-A-G.
Other names: c.637A>G (LRG_410t1); c.637A>G, p.Ile213Val (NM_001256267.2); c.-486A>G (NM_001256268.2); short protein forms I213V.
Identifiers: ClinVar variation 31820 (VCV000031820.7), dbSNP rs199476402, ClinGen allele CA215341.

ClinVar aggregate classification (germline): Uncertain significance. Review status: criteria provided, single submitter (1 of 4 stars). 3 submissions from 3 submitters: Uncertain significance (1). 2 of the submissions do not count toward it. Last evaluated 2015-03-16.

Conditions:
Dilated cardiomyopathy 1KK (CMD1KK). Identifiers: Orphanet 154, Orphanet 75249, MedGen C3714995, MONDO:0014100, OMIM 615248.

Submissions (3):

Laboratory for Molecular Medicine, Mass General Brigham Personalized Medicine
Classification: Uncertain significance. Last evaluated: 2015-03-16. Review status: criteria provided, single submitter. Criteria: LMM Criteria. Collection method: clinical testing. Allele origin: germline. Observed: 1 variant allele.
Comment: Th is variant was absent from large population studies. Computational prediction to ols and conservation analysis suggest that the p.Ile213Val variant may not impac t the protein, though this information is not predictive enough to rule out path ogenicity. In summary, the clinical significance of the p.Ile213Val variant is u ncertain.

ClinVar Staff, National Center for Biotechnology Information (NCBI)
Classification: Uncertain significance for Dilated cardiomyopathy 1KK. Last evaluated: 2013-06-27. Review status: no assertion criteria provided. Collection method: literature only. Allele origin: germline. Affected: yes. Not counted in ClinVar's aggregate classification.

Leiden Muscular Dystrophy (MYPN)
No classification provided. Last evaluated: 2012-04-27. Review status: no classification provided. Collection method: curation. Allele origin: germline. Not counted in ClinVar's aggregate classification.

Literature cited by the submitters: PubMed 22286171 (cited by Laboratory for Molecular Medicine, Mass General Brigham Personalized Medicine and ClinVar Staff, National Center for Biotechnology Information (NCBI)).